The following is an entry in ClinVar:

NM_006506.5(RASA2):c.350G>A (p.Arg117His)

Gene: RASA2 (RAS p21 protein activator 2; plus strand). Cytogenetic location: 3q23.
Variant type: single nucleotide variant.
Coding change: c.350G>A on transcript NM_006506.5 (MANE Select); coding-DNA position 350, G replaced by A.
Protein change: p.Arg117His; replaces arginine 117 with histidine.
Molecular consequence: missense variant.
Genome position (GRCh38, 1-based): chr3:141,516,426, G>A. VCF-style: chr3-141516426-G-A. GRCh37 (hg19) VCF-style: chr3-141235268-G-A.
Other names: c.350G>A, p.Arg117His (NM_001303245.3, NM_001303246.3); short protein forms R117H.
Identifiers: ClinVar variation 995610 (VCV000995610.13), dbSNP rs752928043, ClinGen allele CA2645158.

ClinVar aggregate classification (germline): Uncertain significance. Review status: criteria provided, multiple submitters, no conflicts (2 of 4 stars). 2 submissions from 2 submitters: Uncertain significance (2). Last evaluated 2024-05-23.

Allele frequency attached by ClinVar (database versions not stated): gnomAD 0.00002 and 0.00003; gnomAD exomes 0.00002; ExAC 0.00003; TOPMed 0.00003.
gnomAD v4.1: 43 of 1,523,520 alleles (0.0028%); highest among the groups gnomAD compares: Middle Eastern, 0.018%; no homozygotes.

Submissions (2):

Labcorp Genetics (formerly Invitae), Labcorp
Classification: Uncertain significance. Last evaluated: 2024-05-23. Review status: criteria provided, single submitter. Criteria: Invitae Variant Classification Sherloc (09022015). Collection method: clinical testing. Allele origin: germline.
Comment: This sequence change replaces arginine, which is basic and polar, with histidine, which is basic and polar, at codon 117 of the RASA2 protein (p.Arg117His). The frequency data for this variant in the population databases is considered unreliable, as metrics indicate poor data quality at this position in the gnomAD database. This variant has not been reported in the literature in individuals affected with RASA2-related conditions. ClinVar contains an entry for this variant (Variation ID: 995610). Advanced modeling of protein sequence and biophysical properties (such as structural, functional, and spatial information, amino acid conservation, physicochemical variation, residue mobility, and thermodynamic stability) performed at Invitae indicates that this missense variant is not expected to disrupt RASA2 protein function with a negative predictive value of 80%. In summary, the available evidence is currently insufficient to determine the role of this variant in disease. Therefore, it has been classified as a Variant of Uncertain Significance.

ARUP Laboratories, Molecular Genetics and Genomics, ARUP Laboratories
Classification: Uncertain significance. Last evaluated: 2020-03-03. Review status: criteria provided, single submitter. Criteria: ARUP Molecular Germline Variant Investigation Process. Collection method: clinical testing. Allele origin: germline.
Comment: The RASA2 c.350G>A; p.Arg117His variant (rs752928043), to our knowledge, is not reported in the medical literature or gene specific databases. This variant is only observed on five alleles in the Genome Aggregation Database, indicating it is not a common polymorphism. The arginine at codon 117 is moderately conserved, and computational analyses (SIFT, PolyPhen-2) predict that this variant is deleterious. RASA2 missense variants have been reported in only a small number of patients with Noonan syndrome (Chen 2014). Due to limited information about RASA2 and the p.Arg117His variant, the clinical significance of this variant is uncertain at this time. References: Chen PC et al. Next-generation sequencing identifies rare variants associated with Noonan syndrome. Proc Natl Acad Sci U S A. 2014 Aug 5;111(31):11473-8.